The following is an entry in ClinVar:

NM_024675.4(PALB2):c.2834+1G>C

Gene: PALB2 (partner and localizer of BRCA2; minus strand). Cytogenetic location: 16p12.2.
Variant type: single nucleotide variant.
Coding change: c.2834+1G>C on transcript NM_024675.4 (MANE Select); the canonical splice donor site of the intron after coding-DNA position 2834, G replaced by C.
Molecular consequence: splice donor variant.
Genome position (GRCh38, 1-based): chr16:23,624,008, C>G on the plus strand (G>C on the coding strand, the complement: PALB2 is on the minus strand). VCF-style: chr16-23624008-C-G. GRCh37 (hg19) VCF-style: chr16-23635329-C-G.
Other names: c.1949+1G>C (NM_001407308.1, NM_001407306.1, NM_001407309.1 and 4 more transcripts); c.368+1G>C (NM_001407314.1); c.1046+1G>C (NM_001407313.1, NM_001407312.1); c.2774+1G>C (NM_001407296.1); c.2762+1G>C (NM_001407297.1); c.2672+1G>C (NM_001407302.1, NM_001407298.1); c.2834+1G>C (NM_001407300.1, NM_001407299.1, NM_001407301.1); c.1787+1G>C (NM_001407307.1).
Identifiers: ClinVar variation 482048 (VCV000482048.16), dbSNP rs587776419, ClinGen allele CA395144749.

ClinVar aggregate classification (germline): Pathogenic/Likely pathogenic. Review status: criteria provided, multiple submitters, no conflicts (2 of 4 stars). 3 submissions from 3 submitters: Pathogenic (1); Likely pathogenic (2). Last evaluated 2025-11-20.

Conditions:
Hereditary cancer-predisposing syndrome. Also called: Neoplastic Syndromes, Hereditary; Tumor predisposition; Hereditary Cancer Syndrome; Hereditary neoplastic syndrome. Identifiers: Orphanet 140162, MedGen C0027672, MeSH D009386, MONDO:0015356.
Familial cancer of breast. Also called: BREAST CANCER, FAMILIAL; Hereditary breast cancer; hereditary breast carcinoma. Identifiers: Orphanet 227535, MedGen C0346153, MONDO:0016419, OMIM 114480. Disease mechanism: loss of function.

Allele frequency attached by ClinVar (database versions not stated): gnomAD exomes below 0.00001.

Submissions (3):

Ambry Genetics
Classification: Likely pathogenic for Hereditary cancer-predisposing syndrome. Last evaluated: 2025-11-20. Review status: criteria provided, single submitter. Criteria: Ambry Variant Classification Scheme 2023. Collection method: clinical testing. Allele origin: germline.
Comment: The c.2834+1G>C intronic variant results from a G to C substitution one nucleotide after coding exon 8 of the PALB2 gene. This nucleotide position is highly conserved in available vertebrate species. This variant is considered to be rare based on population cohorts in the Genome Aggregation Database (gnomAD). In silico splice site analysis predicts that this alteration will weaken the native splice donor site; however, direct evidence is insufficient at this time (Ambry internal data). Alterations that disrupt the canonical splice site are expected to cause aberrant splicing, resulting in an abnormal protein or a transcript that is subject to nonsense-mediated mRNA decay. As such, this alteration is classified as likely pathogenic.

GeneDx
Classification: Likely pathogenic. Last evaluated: 2023-02-14. Review status: criteria provided, single submitter. Criteria: GeneDx Variant Classification Process June 2021. Collection method: clinical testing. Allele origin: germline. Affected: yes.
Comment: Canonical splice site variant predicted to result in a null allele in a gene for which loss of function is a known mechanism of disease; Not observed at significant frequency in large population cohorts (gnomAD); Identified in an individual with breast cancer (Rodriguez Balada et al., 2020); This variant is associated with the following publications: (PMID: 31786208)

Labcorp Genetics (formerly Invitae), Labcorp
Classification: Pathogenic for Familial cancer of breast. Last evaluated: 2021-03-11. Review status: criteria provided, single submitter. Criteria: Invitae Variant Classification Sherloc (09022015). Collection method: clinical testing. Allele origin: germline.
Comment: For these reasons, this variant has been classified as Pathogenic. Algorithms developed to predict the effect of sequence changes on RNA splicing suggest that this variant may disrupt the consensus splice site, but this prediction has not been confirmed by published transcriptional studies. This sequence change affects a donor splice site in intron 8 of the PALB2 gene. It is expected to disrupt RNA splicing. Variants that disrupt the donor or acceptor splice site typically lead to a loss of protein function (PMID: 16199547), and loss-of-function variants in PALB2 are known to be pathogenic (PMID: 17200668, 24136930, 25099575). This variant is not present in population databases (ExAC no frequency). Disruption of this splice site has been observed in individual(s) with breast cancer (PMID: 31786208, Invitae). Variant(s) at this splice site have also been observed to segregate with disease in related individuals. ClinVar contains an entry for this variant (Variation ID: 482048).

Literature cited by the submitters: PubMed 16199547 (cited by Labcorp Genetics (formerly Invitae), Labcorp); PubMed 17200668 (cited by Labcorp Genetics (formerly Invitae), Labcorp); PubMed 24136930 (cited by Labcorp Genetics (formerly Invitae), Labcorp); PubMed 25099575 (cited by Labcorp Genetics (formerly Invitae), Labcorp); PubMed 31786208 (cited by Labcorp Genetics (formerly Invitae), Labcorp).